The following is an entry in ClinVar:

ClinVar aggregate classification (germline): Likely pathogenic (1 of 4 stars; one submission).

Submission:

GeneDx
Classification: Likely pathogenic. Last evaluated: 2016-04-26. Review status: criteria provided, single submitter. Criteria: GeneDx Variant Classification (06012015). Collection method: clinical testing. Allele origin: germline. Affected: yes.
Comment: The E616Q variant in the STAT3 gene has not been reported previously as a pathogenic variant, nor as a benign variant, to our knowledge. The E616Q variant was not observed in approximately 6,500 individuals of European and African American ancestry in the NHLBI Exome Sequencing Project, indicating it is not a common benign variant in these populations. The E616Q variant is a semi-conservative amino acid substitution, which may impact secondary protein structure as these residues differ in some properties. This substitution occurs at a position that is conserved across species. In silico analysis is inconsistent in its predictions as to whether or not the variant is damaging to the protein structure/function. We interpret E616Q as a likely pathogenic variant.

NM_139276.3(STAT3):c.1846G>C (p.Glu616Gln)

Gene: STAT3 (signal transducer and activator of transcription 3; minus strand). Cytogenetic location: 17q21.2.
Variant type: single nucleotide variant.
Coding change: c.1846G>C on transcript NM_139276.3 (MANE Select); coding-DNA position 1846, G replaced by C.
Protein change: p.Glu616Gln; replaces glutamic acid 616 with glutamine.
Molecular consequence: missense variant.
Genome position (GRCh38, 1-based): chr17:42,323,046, C>G on the plus strand (G>C on the coding strand, the complement: STAT3 is on the minus strand). VCF-style: chr17-42323046-C-G. GRCh37 (hg19) VCF-style: chr17-40475064-C-G.
Other names: c.1846G>C, p.Glu616Gln (NM_001369512.1, NM_001369513.1, NM_001369514.1 and 9 more transcripts); c.1762G>C, p.Glu588Gln (NM_001384984.1); c.1768G>C, p.Glu590Gln (NM_001384985.1); c.1861G>C, p.Glu621Gln (NM_001384986.1, NM_001384990.1); c.1825G>C, p.Glu609Gln (NM_001384987.1); c.1750G>C, p.Glu584Gln (NM_001384989.1); c.1819G>C, p.Glu607Gln (NM_001384991.1); c.1786G>C, p.Glu596Gln (NM_001384992.1); short protein forms E616Q, E584Q, E588Q, E590Q, E596Q, E607Q, E609Q, E621Q.
Identifiers: ClinVar variation 421084 (VCV000421084.2), dbSNP rs1064794899, ClinGen allele CA16620411.